The following is an entry in ClinVar:

NM_004462.5(FDFT1):c.804C>T (p.His268=)

Gene: FDFT1 (farnesyl-diphosphate farnesyltransferase 1). Cytogenetic location: 8p23.1.
Variant type: single nucleotide variant.
Coding change: c.804C>T on transcript NM_004462.5 (MANE Select); coding-DNA position 804, C replaced by T.
Protein change: p.His268=; no amino-acid change (histidine 268 retained).
Molecular consequence: synonymous variant.
Genome position (GRCh38, 1-based): chr8:11,830,345, C>T. VCF-style: chr8-11830345-C-T. GRCh37 (hg19) VCF-style: chr8-11687854-C-T.
Other names: c.804C>T, p.His268= (NM_001287742.2, NM_001287743.2); c.612C>T, p.His204= (NM_001287744.2, NM_001287745.2, NM_001287747.2 and 2 more transcripts); c.981C>T, p.His327= (NM_001287750.2); c.549C>T, p.His183= (NM_001287751.2); c.303C>T, p.His101= (NM_001287756.2).
Identifiers: ClinVar variation 3034841 (VCV003034841.16), dbSNP rs150179680, ClinGen allele CA4631995.

ClinVar aggregate classification (germline): Likely benign. Review status: criteria provided, single submitter (1 of 4 stars). 2 submissions from 2 submitters: Likely benign (1). 1 of the submissions does not count toward it. Last evaluated 2024-10-01.

Conditions:
FDFT1-related disorder. Also called: FDFT1-related condition.

Allele frequency attached by ClinVar (database versions not stated): gnomAD exomes 0.00006; ExAC 0.00021; 1000 Genomes Project 30x 0.00031; 1000 Genomes Project 0.00040; gnomAD 0.00064; TOPMed 0.00082; ESP Exome Variant Server 0.00131.
gnomAD v4.1: 191 of 1,613,692 alleles (0.012%); highest among the groups gnomAD compares: African/African-American, 0.24%; no homozygotes.

Submissions (2):

CeGaT Center for Human Genetics Tuebingen
Classification: Likely benign. Last evaluated: 2024-10-01. Review status: criteria provided, single submitter. Criteria: CeGaT Center For Human Genetics Tuebingen Variant Classification Criteria Version 2. Collection method: clinical testing. Allele origin: germline. Affected: yes. Observed: 1 variant allele.
Comment: FDFT1: BP4, BP7

PreventionGenetics, part of Exact Sciences
Classification: Likely benign for FDFT1-related condition. Last evaluated: 2019-08-10. Review status: no assertion criteria provided. Collection method: clinical testing. Allele origin: germline. Not counted in ClinVar's aggregate classification.
Comment: This variant is classified as likely benign based on ACMG/AMP sequence variant interpretation guidelines (Richards et al. 2015 PMID: 25741868, with internal and published modifications).